The following is an entry in ClinVar:

ClinVar aggregate classification (germline): Likely benign (1 of 4 stars; one submission).

Allele frequency attached by ClinVar (database versions not stated): gnomAD exomes below 0.00001.
gnomAD v4.1: 5 of 1,204,993 alleles (0.00041%); highest among the groups gnomAD compares: Non-Finnish European, 0.00034%; no homozygotes.

Submission:

CeGaT Center for Human Genetics Tuebingen
Classification: Likely benign. Last evaluated: 2022-03-01. Review status: criteria provided, single submitter. Criteria: CeGaT Center For Human Genetics Tuebingen Variant Classification Criteria Version 2. Collection method: clinical testing. Allele origin: germline. Affected: yes. Observed: 1 variant allele.
Comment: IQSEC2: BP4, BP7

NM_001111125.3(IQSEC2):c.1165C>A (p.Arg389=)

Gene: IQSEC2 (IQ motif and Sec7 domain ArfGEF 2; minus strand). Cytogenetic location: Xp11.22.
Variant type: single nucleotide variant.
Coding change: c.1165C>A on transcript NM_001111125.3 (MANE Select); coding-DNA position 1165, C replaced by A.
Protein change: p.Arg389=; no amino-acid change (arginine 389 retained).
Molecular consequence: synonymous variant.
Genome position (GRCh38, 1-based): chrX:53,254,766, G>T on the plus strand (C>A on the coding strand, the complement: IQSEC2 is on the minus strand). VCF-style: chrX-53254766-G-T. GRCh37 (hg19) VCF-style: chrX-53283948-G-T.
Other names: c.1165C>A, p.Arg389= (NM_001410736.1); c.550C>A, p.Arg184= (NM_015075.2).
Identifiers: ClinVar variation 2660605 (VCV002660605.24), dbSNP rs1556864680, ClinGen allele CA516674381.